The following is an entry in ClinVar:

ClinVar aggregate classification (germline): Likely pathogenic (1 of 4 stars; one submission).

Allele frequency attached by ClinVar (database versions not stated): ExAC 0.00001; gnomAD exomes 0.00001; ESP Exome Variant Server 0.00008.
gnomAD v4.1: 7 of 1,612,236 alleles (0.00043%); highest among the groups gnomAD compares: Admixed American, 0.0017%; no homozygotes.

Submission:

CeGaT Center for Human Genetics Tuebingen
Classification: Likely pathogenic. Last evaluated: 2023-11-01. Review status: criteria provided, single submitter. Criteria: CeGaT Center For Human Genetics Tuebingen Variant Classification Criteria Version 2. Collection method: clinical testing. Allele origin: germline. Affected: yes. Observed: 3 variant alleles.
Comment: CDC45: PM2, PP1:Moderate, PM3:Supporting, PP3, PP4

NM_003504.5(CDC45):c.*1+5G>A

Gene: CDC45 (cell division cycle 45; plus strand). Cytogenetic location: 22q11.21.
Variant type: single nucleotide variant.
Coding change: c.*1+5G>A on transcript NM_003504.5 (MANE Select); 5 bases into the intron after 1 bases downstream of the stop codon, G replaced by A.
Molecular consequence: intron variant.
Genome position (GRCh38, 1-based): chr22:19,518,914, G>A. VCF-style: chr22-19518914-G-A. GRCh37 (hg19) VCF-style: chr22-19506437-G-A.
Other names: c.*1+5G>A (NM_001369291.1, NM_001178010.2, NM_001178011.2).
Identifiers: ClinVar variation 872336 (VCV000872336.41), dbSNP rs372173077, ClinGen allele CA10101558.